The following is an entry in ClinVar:

NM_002691.4(POLD1):c.503_512del (p.Leu168fs)

Gene: POLD1 (DNA polymerase delta 1, catalytic subunit; plus strand). Cytogenetic location: 19q13.33.
Variant type: Deletion.
Coding change: c.503_512del on transcript NM_002691.4 (MANE Select); coding-DNA positions 503 to 512, 10 bases deleted (TGAACTTGGC; older notation c.503_512delTGAACTTGGC).
Protein change: p.Leu168fs; shifts the reading frame from leucine 168.
Molecular consequence: frameshift variant. On other transcripts: non-coding transcript variant (1).
Genome position (GRCh38, 1-based): chr19:50,402,038-50,402,047, TGAACTTGGC deleted; deleting any 10 consecutive bases within chr19:50,402,036-50,402,047 gives the same sequence; the c. name uses the placement nearest the transcript's 3' end. VCF-style (leftmost placement, unchanged base first): chr19-50402035-AGCTGAACTTG-A. GRCh37 (hg19) VCF-style: chr19-50905292-AGCTGAACTTG-A.
Other names: c.503_512del, p.Leu168fs (NM_001256849.1, NM_001308632.1); short protein forms L168fs.
Identifiers: ClinVar variation 3653023 (VCV003653023.2).
Genomic context (GRCh38, chr19:50,402,035, plus strand): 5'-CTCTGATCATCCCTCCCACACCAGGTTTCGGGCCCGAGCACATGGGTGACCTGCAACGGG[AGCTGAACTTG>A]GCCATCAGCCGGGACAGTCGCGGGGGGAGGGAGCTGACTGGGCCGGCCGTGCTGGCTGTG-3'

ClinVar aggregate classification (germline): Uncertain significance (1 of 4 stars; one submission).

Conditions:
POLD1-related polyposis and colorectal cancer syndrome (CRCS10). Also called: Colorectal cancer 10; COLORECTAL CANCER, SUSCEPTIBILITY TO, ON CHROMOSOME 19q; Colorectal cancer, susceptibility to, 10. Identifiers: Orphanet 220460, MedGen C2675481, MONDO:0012953, OMIM 612591.

Submission:

Labcorp Genetics (formerly Invitae), Labcorp
Classification: Uncertain significance for POLD1-related polyposis and colorectal cancer syndrome. Last evaluated: 2024-05-11. Review status: criteria provided, single submitter. Criteria: Invitae Variant Classification Sherloc (09022015). Collection method: clinical testing. Allele origin: germline.
Comment: This sequence change creates a premature translational stop signal (p.Leu168Profs*12) in the POLD1 gene. Missense variants that disrupt the 3'-5' exonuclease (proof-reading) activity of the POLD1 protein are associated with PPAP (polymerase proofreading–associated polyposis) (PMID: 23263490, 23447401). However, loss-of-function variants that result in an absent or severely disrupted POLD1 protein, and missense variants outside the exonuclease domain, are unlikely to be associated with PPAP. This variant is not present in population databases (gnomAD no frequency). This variant has not been reported in the literature in individuals affected with POLD1-related conditions. RNA analysis performed to evaluate the impact of this premature translational stop signal on mRNA splicing indicates it does not significantly alter splicing (Invitae). In summary, the available evidence is currently insufficient to determine the role of this variant in disease. Therefore, it has been classified as a Variant of Uncertain Significance.

Literature cited by the submitters: PubMed 23263490; PubMed 23447401.